The following is an entry in ClinVar:

NM_001365536.1(SCN9A):c.5447C>G (p.Ala1816Gly)

Genes: SCN9A (sodium voltage-gated channel alpha subunit 9; minus strand), SCN1A-AS1 (SCN1A and SCN9A antisense RNA 1; plus strand). Cytogenetic location: 2q24.3.
Variant type: single nucleotide variant.
Coding change: c.5447C>G on transcript NM_001365536.1 (MANE Select); coding-DNA position 5447, C replaced by G.
Protein change: p.Ala1816Gly; replaces alanine 1816 with glycine.
Molecular consequence: missense variant.
Genome position (GRCh38, 1-based): chr2:166,199,192, G>C on the plus strand (C>G on the coding strand, the complement: SCN9A is on the minus strand). VCF-style: chr2-166199192-G-C. GRCh37 (hg19) VCF-style: chr2-167055702-G-C.
Other names: c.5414C>G, p.Ala1805Gly (NM_002977.4); short protein forms A1805G, A1816G.
Identifiers: ClinVar variation 4787610 (VCV004787610.1).
Genomic context (GRCh38, chr2:166,199,192, plus strand): 5'-ATCCGGTCACCACTAACCATGGGCAGATCCATGGCAATGAGCTGGACTTTGTTGGGTTTT[G>C]CTATGAGAAGAGGAGGATCCAGGGCAGCTGCAAAATCAGAGAGTTTAGAGAACTCTATAA-3'
Protein context (NP_001352465.1, residues 1806-1826): AAALDPPLLI[Ala1816Gly]KPNKVQLIAM

ClinVar aggregate classification (germline): Uncertain significance (1 of 4 stars; one submission).

Conditions:
Neuropathy, hereditary sensory and autonomic, type 2A (HSAN2A). Also called: ACROOSTEOLYSIS, GIACCAI TYPE; ACROOSTEOLYSIS, NEUROGENIC; MORVAN DISEASE; NEUROPATHY, CONGENITAL SENSORY; NEUROPATHY, HEREDITARY SENSORY RADICULAR, AUTOSOMAL RECESSIVE; NEUROPATHY, HEREDITARY SENSORY, TYPE IIA. Identifiers: Orphanet 970, MedGen C2752089, MONDO:0024309, OMIM 201300.
Generalized epilepsy with febrile seizures plus, type 7 (GEFSP7). Also called: GEFS+, TYPE 7. Identifiers: Orphanet 36387, MedGen C2751778, MONDO:0013470, OMIM 613863.

Submission:

Labcorp Genetics (formerly Invitae), Labcorp
Classification: Uncertain significance for Neuropathy, hereditary sensory and autonomic, type 2A; Generalized epilepsy with febrile seizures plus, type 7. Last evaluated: 2025-08-30. Review status: criteria provided, single submitter. Criteria: Invitae Variant Classification Sherloc (09022015). Collection method: clinical testing. Allele origin: germline.
Comment: This sequence change replaces alanine, which is neutral and non-polar, with glycine, which is neutral and non-polar, at codon 1805 of the SCN9A protein (p.Ala1805Gly). This variant is not present in population databases (gnomAD no frequency). This variant has not been reported in the literature in individuals affected with SCN9A-related conditions. Invitae Evidence Modeling of protein sequence and biophysical properties (such as structural, functional, and spatial information, amino acid conservation, physicochemical variation, residue mobility, and thermodynamic stability) indicates that this missense variant is not expected to disrupt SCN9A protein function with a negative predictive value of 80%. In summary, the available evidence is currently insufficient to determine the role of this variant in disease. Therefore, it has been classified as a Variant of Uncertain Significance.